The following is an entry in ClinVar:

NM_152564.5(VPS13B):c.7116T>A (p.Asn2372Lys)

Gene: VPS13B (vacuolar protein sorting 13 homolog B; plus strand). Cytogenetic location: 8q22.2.
Variant type: single nucleotide variant.
Coding change: c.7116T>A on transcript NM_152564.5 (MANE Select); coding-DNA position 7116, T replaced by A.
Protein change: p.Asn2372Lys; replaces asparagine 2372 with lysine.
Molecular consequence: missense variant.
Genome position (GRCh38, 1-based): chr8:99,766,839, T>A. VCF-style: chr8-99766839-T-A. GRCh37 (hg19) VCF-style: chr8-100779067-T-A.
Other names: c.7191T>A, p.Asn2397Lys (NM_017890.5); short protein forms N2397K, N2372K.
Identifiers: ClinVar variation 2094645 (VCV002094645.4), dbSNP rs2491774230, ClinGen allele CA371874129.

ClinVar aggregate classification (germline): Uncertain significance (1 of 4 stars; one submission).

Conditions:
Cohen syndrome (COH1). Also called: Cutis verticis gyrata, retinitis pigmentosa, and sensorineural deafness; PEPPER SYNDROME. Identifiers: Orphanet 193, MedGen C0265223, MONDO:0008999, OMIM 216550.

Submission:

Labcorp Genetics (formerly Invitae), Labcorp
Classification: Uncertain significance for Cohen syndrome. Last evaluated: 2022-02-19. Review status: criteria provided, single submitter. Criteria: Invitae Variant Classification Sherloc (09022015). Collection method: clinical testing. Allele origin: germline.
Comment: In summary, the available evidence is currently insufficient to determine the role of this variant in disease. Therefore, it has been classified as a Variant of Uncertain Significance. Algorithms developed to predict the effect of missense changes on protein structure and function are either unavailable or do not agree on the potential impact of this missense change (SIFT: "Not Available"; PolyPhen-2: "Benign"; Align-GVGD: "Not Available"). This variant has not been reported in the literature in individuals affected with VPS13B-related conditions. This variant is not present in population databases (gnomAD no frequency). This sequence change replaces asparagine, which is neutral and polar, with lysine, which is basic and polar, at codon 2397 of the VPS13B protein (p.Asn2397Lys).